The following is an entry in ClinVar:

NM_000018.4(ACADVL):c.833A>T (p.Lys278Met)

Gene: ACADVL (acyl-CoA dehydrogenase very long chain; plus strand). Cytogenetic location: 17p13.1.
Variant type: single nucleotide variant.
Coding change: c.833A>T on transcript NM_000018.4 (MANE Select); coding-DNA position 833, A replaced by T.
Protein change: p.Lys278Met; replaces lysine 278 with methionine.
Molecular consequence: missense variant.
Genome position (GRCh38, 1-based): chr17:7,222,257, A>T. VCF-style: chr17-7222257-A-T. GRCh37 (hg19) VCF-style: chr17-7125576-A-T.
Other names: c.767A>T, p.Lys256Met (NM_001033859.3); c.902A>T, p.Lys301Met (NM_001270447.2); c.605A>T, p.Lys202Met (NM_001270448.2); short protein forms K278M, K301M, K202M, K256M.
Identifiers: ClinVar variation 2198274 (VCV002198274.1), dbSNP rs762152455, ClinGen allele CA8337865.

ClinVar aggregate classification (germline): Uncertain significance (1 of 4 stars; one submission).

Conditions:
Very long chain acyl-CoA dehydrogenase deficiency (ACADVLD). Also called: VLCAD Deficiency; Very Long-Chain Acyl-Coenzyme A Dehydrogenase Deficiency. Identifiers: Orphanet 26793, MedGen C3887523, MONDO:0008723, OMIM 201475.

Allele frequency attached by ClinVar (database versions not stated): ExAC 0.00001; gnomAD 0.00001; TOPMed 0.00001.
gnomAD v4.1: 68 of 1,614,000 alleles (0.0042%); highest among the groups gnomAD compares: Non-Finnish European, 0.0055%; no homozygotes.

Submission:

Labcorp Genetics (formerly Invitae), Labcorp
Classification: Uncertain significance for Very long chain acyl-CoA dehydrogenase deficiency. Last evaluated: 2022-07-31. Review status: criteria provided, single submitter. Criteria: Invitae Variant Classification Sherloc (09022015). Collection method: clinical testing. Allele origin: germline.
Comment: This sequence change replaces lysine, which is basic and polar, with methionine, which is neutral and non-polar, at codon 278 of the ACADVL protein (p.Lys278Met). This variant is present in population databases (rs762152455, gnomAD 0.003%). This variant has not been reported in the literature in individuals affected with ACADVL-related conditions. Algorithms developed to predict the effect of missense changes on protein structure and function (SIFT, PolyPhen-2, Align-GVGD) all suggest that this variant is likely to be disruptive. In summary, the available evidence is currently insufficient to determine the role of this variant in disease. Therefore, it has been classified as a Variant of Uncertain Significance.